The following is an entry in ClinVar:

NM_001348716.2(KDM6B):c.2569G>C (p.Ala857Pro)

Gene: KDM6B (lysine demethylase 6B; plus strand). Cytogenetic location: 17p13.1.
Variant type: single nucleotide variant.
Coding change: c.2569G>C on transcript NM_001348716.2 (MANE Select); coding-DNA position 2569, G replaced by C.
Protein change: p.Ala857Pro; replaces alanine 857 with proline.
Molecular consequence: missense variant.
Genome position (GRCh38, 1-based): chr17:7,848,857, G>C. VCF-style: chr17-7848857-G-C. GRCh37 (hg19) VCF-style: chr17-7752175-G-C.
Other names: c.2569G>C, p.Ala857Pro (NM_001080424.2); short protein forms A857P.
Identifiers: ClinVar variation 4992827 (VCV004992827.1).
Genomic context (GRCh38, chr17:7,848,857, plus strand): 5'-TATTCCCCTGGCCCCCCATCAGGTGCTACCGCCCTGCCGCCCACCTCAGCGGCCCCTAGC[G>C]CCCAGGGCTCCCCACAGCCCTCTGCTTCCTCGTCATCTCAGTTCTCTACCTCAGGCGGGC-3'
Protein context (NP_001335645.1, residues 847-867): ALPPTSAAPS[Ala857Pro]QGSPQPSASS

ClinVar aggregate classification (germline): Uncertain significance (1 of 4 stars; one submission).

Conditions:
KDM6B-related disorder. Also called: KDM6B-related condition.

Submission:

PreventionGenetics, part of Exact Sciences
Classification: Uncertain significance for KDM6B-related condition. Last evaluated: 2026-07-23. Review status: criteria provided, single submitter. Criteria: ACMG Guidelines, 2015. Collection method: clinical testing. Allele origin: germline.
Comment: The KDM6B c.2569G>C variant is predicted to result in the amino acid substitution p.Ala857Pro. To our knowledge, this variant has not been reported in the literature or in a large population database (gnomAD), indicating this variant is rare. At this time, the clinical significance of this variant is uncertain due to the absence of conclusive functional and genetic evidence.